The following is an entry in ClinVar:

NM_199355.4(ADAMTS18):c.3028_3030delinsTGT (p.Gly1010Cys)

Gene: ADAMTS18 (ADAM metallopeptidase with thrombospondin type 1 motif 18; minus strand). Cytogenetic location: 16q23.1.
Variant type: Indel.
Coding change: c.3028_3030delinsTGT on transcript NM_199355.4 (MANE Select); coding-DNA positions 3028 to 3030, GGG replaced by TGT.
Protein change: p.Gly1010Cys; replaces glycine 1010 with cysteine.
Molecular consequence: missense variant.
Genome position (GRCh38, 1-based): chr16:77,293,235-77,293,237, CCC replaced by ACA on the plus strand (GGG replaced by TGT on the coding strand, the reverse complement: ADAMTS18 is on the minus strand). VCF-style: chr16-77293235-CCC-ACA. GRCh37 (hg19) VCF-style: chr16-77327132-CCC-ACA.
Other names: c.3028_3030delinsTGT (NM_199355.2); c.2512_2514delinsTGT, p.Gly838Cys (NM_001326358.2); short protein forms G838C, G1010C.
Identifiers: ClinVar variation 2899874 (VCV002899874.4), dbSNP rs2055401742, ClinGen allele CA1139664831.

ClinVar aggregate classification (germline): Uncertain significance. Review status: criteria provided, multiple submitters, no conflicts (2 of 4 stars). 2 submissions from 2 submitters: Uncertain significance (2). Last evaluated 2024-04-24.

Submissions (2):

GeneDx
Classification: Uncertain significance. Last evaluated: 2024-04-24. Review status: criteria provided, single submitter. Criteria: GeneDx Variant Classification Process June 2021. Collection method: clinical testing. Allele origin: germline. Affected: yes.
Comment: In silico analysis supports a deleterious effect on protein structure/function; Has not been previously published as pathogenic or benign to our knowledge

Labcorp Genetics (formerly Invitae), Labcorp
Classification: Uncertain significance. Last evaluated: 2019-11-28. Review status: criteria provided, single submitter. Criteria: Invitae Variant Classification Sherloc (09022015). Collection method: clinical testing. Allele origin: germline.
Comment: In summary, the available evidence is currently insufficient to determine the role of this variant in disease. Therefore, it has been classified as a Variant of Uncertain Significance. Algorithms developed to predict the effect of missense changes on protein structure and function are either unavailable or do not agree on the potential impact of this missense change (SIFT: "Deleterious"; PolyPhen-2: "Not Available"; Align-GVGD: "Class C65"). This variant has not been reported in the literature in individuals with ADAMTS18-related conditions. This variant is reported as two separate entries in the ExAC population database (rs149947117, ExAC 0.01% and rs145095974, ExAC 0.0005%). This sequence change replaces glycine with cysteine at codon 1010 of the ADAMTS18 protein (p.Gly1010Cys). The glycine residue is highly conserved and there is a large physicochemical difference between glycine and cysteine.